The following is an entry in ClinVar:

NM_001267550.2(TTN):c.81033G>T (p.Glu27011Asp)

Genes: TTN (titin; minus strand), TTN-AS1 (TTN antisense RNA 1; plus strand). Cytogenetic location: 2q31.2.
Variant type: single nucleotide variant.
Coding change: c.81033G>T on transcript NM_001267550.2 (MANE Select); coding-DNA position 81033, G replaced by T.
Protein change: p.Glu27011Asp; replaces glutamic acid 27011 with aspartic acid.
Molecular consequence: missense variant.
Genome position (GRCh38, 1-based): chr2:178,565,099, C>A on the plus strand (G>T on the coding strand, the complement: TTN is on the minus strand). VCF-style: chr2-178565099-C-A. GRCh37 (hg19) VCF-style: chr2-179429826-C-A.
Other names: c.76110G>T, p.Glu25370Asp (NM_001256850.1); c.53838G>T, p.Glu17946Asp (NM_003319.4); c.73329G>T, p.Glu24443Asp (NM_133378.4); c.54213G>T, p.Glu18071Asp (NM_133432.3); c.54414G>T, p.Glu18138Asp (NM_133437.4); short protein forms E17946D, E18071D, E18138D, E24443D, E25370D, E27011D.
Identifiers: ClinVar variation 2438275 (VCV002438275.4), dbSNP rs765653425, ClinGen allele CA1989259.

ClinVar aggregate classification (germline): Uncertain significance. Review status: criteria provided, multiple submitters, no conflicts (2 of 4 stars). 2 submissions from 2 submitters: Uncertain significance (2). Last evaluated 2025-03-31.

Conditions:
TTN-related disorder. Also called: TTN-related condition; TTN-related disease; TTN-related disorders.

Allele frequency attached by ClinVar (database versions not stated): ExAC 0.00001; gnomAD 0.00001; TOPMed 0.00001.
gnomAD v4.1: 9 of 1,613,604 alleles (0.00056%); highest among the groups gnomAD compares: Middle Eastern, 0.017%; no homozygotes.

Submissions (2):

PreventionGenetics, part of Exact Sciences
Classification: Uncertain significance for TTN-related condition. Last evaluated: 2025-03-31. Review status: criteria provided, single submitter. Criteria: ACMG Guidelines, 2015. Collection method: clinical testing. Allele origin: germline.
Comment: The TTN c.81033G>T variant is predicted to result in the amino acid substitution p.Glu27011Asp. To our knowledge, this variant has not been reported in the literature. This variant is reported in 0.0018% of alleles in individuals of European (non-Finnish) descent in gnomAD. At this time, the clinical significance of this variant is uncertain due to the absence of conclusive functional and genetic evidence.

Revvity Omics, Revvity
Classification: Uncertain significance. Last evaluated: 2019-11-22. Review status: criteria provided, single submitter. Criteria: ACMG Guidelines, 2015. Collection method: clinical testing. Allele origin: germline.